The following is an entry in ClinVar:

NM_030777.4(SLC2A10):c.443T>C (p.Leu148Pro)

Gene: SLC2A10 (solute carrier family 2 member 10; plus strand). Cytogenetic location: 20q13.12.
Variant type: single nucleotide variant.
Coding change: c.443T>C on transcript NM_030777.4 (MANE Select); coding-DNA position 443, T replaced by C.
Protein change: p.Leu148Pro; replaces leucine 148 with proline.
Molecular consequence: missense variant.
Genome position (GRCh38, 1-based): chr20:46,725,479, T>C. VCF-style: chr20-46725479-T-C. GRCh37 (hg19) VCF-style: chr20-45354118-T-C.
Other names: p.L148P:CTG>CCG; short protein forms L148P.
Identifiers: ClinVar variation 213728 (VCV000213728.11), dbSNP rs863223732, ClinGen allele CA321509.

ClinVar aggregate classification (germline): Uncertain significance. Review status: criteria provided, multiple submitters, no conflicts (2 of 4 stars). 3 submissions from 3 submitters: Uncertain significance (3). Last evaluated 2025-05-07.

Conditions:
Familial thoracic aortic aneurysm and aortic dissection (TAAD). Also called: Thoracic aortic aneurysms and dissections. Identifiers: Orphanet 91387, MedGen C4707243, MONDO:0019625.
Arterial tortuosity syndrome (ATORS). Identifiers: Orphanet 3342, MedGen C1859726, MONDO:0008818, OMIM 208050.

Allele frequency attached by ClinVar (database versions not stated): gnomAD 0.00003 and 0.00004; gnomAD exomes below 0.00001; TOPMed 0.00002.
gnomAD v4.1: 6 of 1,614,070 alleles (0.00037%); highest among the groups gnomAD compares: African/African-American, 0.008%; no homozygotes.

Submissions (3):

Ambry Genetics
Classification: Uncertain significance for Familial thoracic aortic aneurysm and aortic dissection. Last evaluated: 2025-05-07. Review status: criteria provided, single submitter. Criteria: Ambry Variant Classification Scheme 2023. Collection method: clinical testing. Allele origin: germline.
Comment: The p.L148P variant (also known as c.443T>C), located in coding exon 2 of the SLC2A10 gene, results from a T to C substitution at nucleotide position 443. The leucine at codon 148 is replaced by proline, an amino acid with similar properties. This amino acid position is highly conserved in available vertebrate species. In addition, this alteration is predicted to be deleterious by in silico analysis. Based on the available evidence, the clinical significance of this variant remains unclear.

Labcorp Genetics (formerly Invitae), Labcorp
Classification: Uncertain significance for Arterial tortuosity syndrome. Last evaluated: 2020-12-25. Review status: criteria provided, single submitter. Criteria: Invitae Variant Classification Sherloc (09022015). Collection method: clinical testing. Allele origin: germline.
Comment: In summary, the available evidence is currently insufficient to determine the role of this variant in disease. Therefore, it has been classified as a Variant of Uncertain Significance. Advanced modeling of protein sequence and biophysical properties (such as structural, functional, and spatial information, amino acid conservation, physicochemical variation, residue mobility, and thermodynamic stability) performed at Invitae indicates that this missense variant is expected to disrupt SLC2A10 protein function. This variant has not been reported in the literature in individuals with SLC2A10-related conditions. ClinVar contains an entry for this variant (Variation ID: 213728). This variant is not present in population databases (ExAC no frequency). This sequence change replaces leucine with proline at codon 148 of the SLC2A10 protein (p.Leu148Pro). The leucine residue is highly conserved and there is a moderate physicochemical difference between leucine and proline.

GeneDx
Classification: Uncertain significance. Last evaluated: 2015-04-21. Review status: criteria provided, single submitter. Criteria: GeneDx Variant Classification (06012015). Collection method: clinical testing. Allele origin: germline. Affected: yes.
Comment: p.Leu148Pro (L148P) CTG>CCG: c.443 T>C in exon 2 of the SLC2A10 gene (NM_030777.3). A variant of unknown significance has been identified in the SLC2A10 gene. The L148P variant has not been published as a mutation, nor has it been reported as a benign polymorphism to our knowledge. The L148P variant was not observed in approximately 6500 individuals of European and African American ancestry in the NHLBI Exome Sequencing Project, indicating it is not a common benign variant in these populations. The L148P variant is a semi-conservative amino acid substitution, which may impact secondary protein structure as these residues differ in some properties. This substitution occurs at a position where amino acids with similar properties to Leucine are tolerated across species. In silico analysis predicts this variant is probably damaging to the protein structure/function. Finally, a missense mutation in a nearby residue (G142V) has been reported in association with arterial tortuosity syndrome, supporting the functional importance of this region of the protein. Therefore, based on the currently available information, it is unclear whether this variant is a pathogenic mutation or a rare benign variant. This variant was found in TAADV2-1